The following is an entry in ClinVar:

ClinVar aggregate classification (germline): Pathogenic (1 of 4 stars; one submission).

Conditions:
Multiple endocrine neoplasia, type 1 (MEN1). Also called: MEN I; WERMER SYNDROME; Endocrine adenomatosis multiple; MEN 1; MEA I. Identifiers: Orphanet 652, MedGen C0025267, MeSH D018761, MONDO:0007540, OMIM 131100.

Submission:

Labcorp Genetics (formerly Invitae), Labcorp
Classification: Pathogenic for Multiple endocrine neoplasia, type 1. Last evaluated: 2024-11-18. Review status: criteria provided, single submitter. Criteria: Invitae Variant Classification Sherloc (09022015). Collection method: clinical testing. Allele origin: germline.
Comment: This sequence change creates a premature translational stop signal (p.Thr210Profs*9) in the MEN1 gene. It is expected to result in an absent or disrupted protein product. Loss-of-function variants in MEN1 are known to be pathogenic (PMID: 12112656, 17853334). This variant is not present in population databases (gnomAD no frequency). This variant has not been reported in the literature in individuals affected with MEN1-related conditions. For these reasons, this variant has been classified as Pathogenic.

Literature cited by the submitters: PubMed 12112656; PubMed 17853334.

NM_001370259.2(MEN1):c.624_627dup (p.Thr210fs)

Gene: MEN1 (menin 1; minus strand). Cytogenetic location: 11q13.1.
Variant type: Duplication.
Coding change: c.624_627dup on transcript NM_001370259.2 (MANE Select); coding-DNA positions 624 to 627, 4 bases duplicated (CCAG; older notation c.624_627dupCCAG).
Protein change: p.Thr210fs; shifts the reading frame from threonine 210.
Molecular consequence: frameshift variant. On other transcripts: non-coding transcript variant (4), intron variant (5).
Genome position (GRCh38, 1-based): chr11:64,807,918-64,807,921, CTGG duplicated on the plus strand (CCAG on the coding strand, the reverse complement: MEN1 is on the minus strand); duplicating any 4 consecutive bases within chr11:64,807,918-64,807,922 gives the same sequence; the c. name uses the placement nearest the transcript's 3' end. VCF-style (leftmost placement, unchanged base first): chr11-64807917-T-TCTGG. GRCh37 (hg19) VCF-style: chr11-64575389-T-TCTGG.
Other names: c.639_642dup, p.Thr215fs (NM_000244.4, NM_001407145.1, NM_001407150.1 and 5 more transcripts); c.624_627dup, p.Thr210fs (NM_001370251.2, NM_001370260.2, NM_001370261.2 and 7 more transcripts); c.549+75_549+78dup (NM_001407148.1, NM_001407149.1, NM_001407151.1 and 2 more transcripts); short protein forms T210fs, T215fs.
Identifiers: ClinVar variation 3725454 (VCV003725454.2).